The following is an entry in ClinVar:

NM_000257.4(MYH7):c.1083C>T (p.Asn361=)

Gene: MYH7 (myosin heavy chain 7; minus strand). Cytogenetic location: 14q11.2.
Variant type: single nucleotide variant.
Coding change: c.1083C>T on transcript NM_000257.4 (MANE Select); coding-DNA position 1083, C replaced by T.
Protein change: p.Asn361=; no amino-acid change (asparagine 361 retained).
Molecular consequence: synonymous variant.
Genome position (GRCh38, 1-based): chr14:23,429,830, G>A on the plus strand (C>T on the coding strand, the complement: MYH7 is on the minus strand). VCF-style: chr14-23429830-G-A. GRCh37 (hg19) VCF-style: chr14-23899039-G-A.
Identifiers: ClinVar variation 178084 (VCV000178084.19), dbSNP rs145091844, ClinGen allele CA010158.

ClinVar aggregate classification (germline): Benign/Likely benign. Review status: criteria provided, multiple submitters, no conflicts (2 of 4 stars). 5 submissions from 5 submitters: Benign (1); Likely benign (4). Last evaluated 2025-12-31.

Conditions:
Cardiovascular phenotype. Identifiers: MedGen CN230736.
Cardiomyopathy (CMYO). Also called: Cardiomyopathies. Identifiers: Orphanet 167848, MedGen C0878544, MONDO:0004994, HP:0001638. Inheritance: Various modes of inheritance.
Hypertrophic cardiomyopathy. Also called: HYPERTROPHIC MYOCARDIOPATHY. Identifiers: Orphanet 217569, MedGen C0007194, MeSH D002312, MONDO:0005045, HP:0001639.

Allele frequency attached by ClinVar (database versions not stated): gnomAD 0.00001; gnomAD exomes 0.00002 and 0.00004; TOPMed 0.00002; ExAC 0.00003; ESP Exome Variant Server 0.00008.

Submissions (5):

Labcorp Genetics (formerly Invitae), Labcorp
Classification: Likely benign for Hypertrophic cardiomyopathy. Last evaluated: 2025-12-31. Review status: criteria provided, single submitter. Criteria: Invitae Variant Classification Sherloc (09022015). Collection method: clinical testing. Allele origin: germline.

Ambry Genetics
Classification: Likely benign for Cardiovascular phenotype. Last evaluated: 2021-04-06. Review status: criteria provided, single submitter. Criteria: Ambry Variant Classification Scheme 2023. Collection method: clinical testing. Allele origin: germline.

Color Diagnostics, LLC DBA Color Health
Classification: Likely benign for Cardiomyopathy. Last evaluated: 2018-11-27. Review status: criteria provided, single submitter. Criteria: ACMG Guidelines, 2015. Collection method: clinical testing. Allele origin: germline.

GeneDx
Classification: Benign. Last evaluated: 2015-03-03. Review status: criteria provided, single submitter. Criteria: GeneDx Variant Classification Process June 2021. Collection method: clinical testing. Allele origin: germline. Affected: yes.

Laboratory for Molecular Medicine, Mass General Brigham Personalized Medicine
Classification: Likely benign. Last evaluated: 2012-03-19. Review status: criteria provided, single submitter. Criteria: LMM Criteria. Collection method: clinical testing. Allele origin: germline. Observed: 1 variant allele.
Comment: Asn361Asn in exon 12 of MYH7: This variant is not expected to have clinical sign ificance because it does not alter an amino acid residue, is not located within the splice consensus sequence. It has been identified in 1/8600 European America n chromosomes from a broad population by the NHLBI Exome Sequencing Project (dbSNP rs145091844). Asn361Asn in exon 12 of MYH7 (rs145091844; allele frequency = 1/8600) **